The following is an entry in ClinVar:

ClinVar aggregate classification (germline): Uncertain significance. Review status: criteria provided, multiple submitters, no conflicts (2 of 4 stars). 2 submissions from 2 submitters: Uncertain significance (2). Last evaluated 2025-04-27.

Conditions:
Inborn genetic diseases. Identifiers: MedGen C0950123, MeSH D030342.
Charcot-Marie-Tooth disease axonal type 2O. Also called: CHARCOT-MARIE-TOOTH NEUROPATHY, AXONAL, TYPE 2O; CHARCOT-MARIE-TOOTH DISEASE, AXONAL, AUTOSOMAL DOMINANT, TYPE 2O; Charcot-Marie-Tooth disease, axonal, type 20; Charcot-Marie-Tooth Neuropathy Type 2O. Identifiers: Orphanet 284232, MedGen C3280220, MONDO:0013644, OMIM 614228.

Allele frequency attached by ClinVar (database versions not stated): gnomAD exomes below 0.00001; gnomAD 0.00001; TOPMed 0.00001.
gnomAD v4.1: 2 of 1,614,092 alleles (0.00012%); highest among the groups gnomAD compares: Admixed American, 0.0017%; no homozygotes.

Submissions (2):

Labcorp Genetics (formerly Invitae), Labcorp
Classification: Uncertain significance for Charcot-Marie-Tooth disease axonal type 2O. Last evaluated: 2025-04-27. Review status: criteria provided, single submitter. Criteria: Invitae Variant Classification Sherloc (09022015). Collection method: clinical testing. Allele origin: germline.
Comment: This sequence change falls in intron 14 of the DYNC1H1 gene. It does not directly change the encoded amino acid sequence of the DYNC1H1 protein. It affects a nucleotide within the consensus splice site. This variant is not present in population databases (gnomAD no frequency). This variant has not been reported in the literature in individuals affected with DYNC1H1-related conditions. ClinVar contains an entry for this variant (Variation ID: 589333). Variants that disrupt the consensus splice site are a relatively common cause of aberrant splicing (PMID: 17576681, 9536098). Algorithms developed to predict the effect of sequence changes on RNA splicing suggest that this variant is not likely to affect RNA splicing. In summary, the available evidence is currently insufficient to determine the role of this variant in disease. Therefore, it has been classified as a Variant of Uncertain Significance.

Ambry Genetics
Classification: Uncertain significance for Inborn genetic diseases. Last evaluated: 2020-11-10. Review status: criteria provided, single submitter. Criteria: Ambry Variant Classification Scheme 2023. Collection method: clinical testing. Allele origin: germline.
Comment: The c.3444+3G>A intronic alteration consists of a G to A substitution nucleotides after coding exon 14 in the DYNC1H1 gene. Based on insufficient or conflicting evidence, the clinical significance of this alteration remains unclear.

Literature cited by the submitters: PubMed 17576681 (cited by Labcorp Genetics (formerly Invitae), Labcorp); PubMed 9536098 (cited by Labcorp Genetics (formerly Invitae), Labcorp).

NM_001376.5(DYNC1H1):c.3444+3G>A

Gene: DYNC1H1 (dynein cytoplasmic 1 heavy chain 1; plus strand). Cytogenetic location: 14q32.31.
Variant type: single nucleotide variant.
Coding change: c.3444+3G>A on transcript NM_001376.5 (MANE Select); 3 bases into the intron after coding-DNA position 3444, G replaced by A.
Molecular consequence: intron variant.
Genome position (GRCh38, 1-based): chr14:101,995,099, G>A. VCF-style: chr14-101995099-G-A. GRCh37 (hg19) VCF-style: chr14-102461436-G-A.
Identifiers: ClinVar variation 589333 (VCV000589333.12), dbSNP rs1475876803, ClinGen allele CA703171168.